The following is an entry in ClinVar:

NM_018713.3(SLC30A10):c.1055A>C (p.Lys352Thr)

Gene: SLC30A10 (solute carrier family 30 member 10; minus strand). Cytogenetic location: 1q41.
Variant type: single nucleotide variant.
Coding change: c.1055A>C on transcript NM_018713.3 (MANE Select); coding-DNA position 1055, A replaced by C.
Protein change: p.Lys352Thr; replaces lysine 352 with threonine.
Molecular consequence: missense variant.
Genome position (GRCh38, 1-based): chr1:219,915,852, T>G on the plus strand (A>C on the coding strand, the complement: SLC30A10 is on the minus strand). VCF-style: chr1-219915852-T-G. GRCh37 (hg19) VCF-style: chr1-220089194-T-G.
Other names: c.866A>C, p.Lys289Thr (NM_001376929.1); c.380A>C, p.Lys127Thr (NM_001416004.1, NM_001416005.1); short protein forms K352T, K289T, K127T.
Identifiers: ClinVar variation 2611084 (VCV002611084.3), dbSNP rs765468456, ClinGen allele CA1399172.

ClinVar aggregate classification (germline): Uncertain significance. Review status: criteria provided, multiple submitters, no conflicts (2 of 4 stars). 2 submissions from 2 submitters: Uncertain significance (2). Last evaluated 2025-04-11.

Conditions:
Inborn genetic diseases. Identifiers: MedGen C0950123, MeSH D030342.

Allele frequency attached by ClinVar (database versions not stated): ExAC 0.00001; gnomAD 0.00002; TOPMed 0.00002.
gnomAD v4.1: 33 of 1,614,124 alleles (0.002%); highest among the groups gnomAD compares: Non-Finnish European, 0.0027%; no homozygotes.

Submissions (2):

GeneDx
Classification: Uncertain significance. Last evaluated: 2025-04-11. Review status: criteria provided, single submitter. Criteria: GeneDx Variant Classification Process June 2021. Collection method: clinical testing. Allele origin: germline. Affected: yes.
Comment: Not observed at significant frequency in large population cohorts (gnomAD); In silico analysis supports that this missense variant has a deleterious effect on protein structure/function; Has not been previously published as pathogenic or benign to our knowledge

Ambry Genetics
Classification: Uncertain significance for Inborn genetic diseases. Last evaluated: 2023-07-12. Review status: criteria provided, single submitter. Criteria: Ambry Variant Classification Scheme 2023. Collection method: clinical testing. Allele origin: germline.